The following is an entry in ClinVar:

NM_004082.5(DCTN1):c.424G>T (p.Ala142Ser)

Gene: DCTN1 (dynactin subunit 1; minus strand). Cytogenetic location: 2p13.1.
Variant type: single nucleotide variant.
Coding change: c.424G>T on transcript NM_004082.5 (MANE Select); coding-DNA position 424, G replaced by T.
Protein change: p.Ala142Ser; replaces alanine 142 with serine.
Molecular consequence: missense variant. On other transcripts: intron variant (3).
Genome position (GRCh38, 1-based): chr2:74,374,331, C>A on the plus strand (G>T on the coding strand, the complement: DCTN1 is on the minus strand). VCF-style: chr2-74374331-C-A. GRCh37 (hg19) VCF-style: chr2-74601458-C-A.
Other names: c.22G>T, p.Ala8Ser (NM_001135041.3, NM_023019.4); c.403G>T, p.Ala135Ser (NM_001190837.2); c.373G>T, p.Ala125Ser (NM_001378991.1); c.343-2603G>T (NM_001190836.2); c.364-1383G>T (NM_001378992.1); c.394-2603G>T (NM_001135040.3); short protein forms A125S, A135S, A142S, A8S.
Identifiers: ClinVar variation 3345130 (VCV003345130.1).

ClinVar aggregate classification (germline): Uncertain significance (0 of 4 stars; one submission).

Conditions:
DCTN1-related disorder. Also called: DCTN1-related condition.

gnomAD v4.1: 2 of 1,613,344 alleles (0.00012%); highest among the groups gnomAD compares: African/African-American, 0.0027%; no homozygotes.

Submission:

PreventionGenetics, part of Exact Sciences
Classification: Uncertain significance for DCTN1-related condition. Last evaluated: 2024-08-27. Review status: no assertion criteria provided. Collection method: clinical testing. Allele origin: germline.
Comment: The DCTN1 c.424G>T variant is predicted to result in the amino acid substitution p.Ala142Ser. To our knowledge, this variant has not been reported in the literature or in a large population database, indicating this variant is rare. At this time, the clinical significance of this variant is uncertain due to the absence of conclusive functional and genetic evidence.